The following is an entry in ClinVar:

ClinVar aggregate classification (germline): Uncertain significance. Review status: criteria provided, multiple submitters, no conflicts (2 of 4 stars). 2 submissions from 2 submitters: Uncertain significance (2). Last evaluated 2024-06-24.

Conditions:
EAST syndrome (SESAMES). Also called: SEIZURES, SENSORINEURAL DEAFNESS, ATAXIA, IMPAIRED INTELLECTUAL DEVELOPMENT, AND ELECTROLYTE IMBALANCE. Identifiers: Orphanet 199343, MedGen C2748572, MONDO:0013005, OMIM 612780.

Submissions (2):

Labcorp Genetics (formerly Invitae), Labcorp
Classification: Uncertain significance for EAST syndrome. Last evaluated: 2024-06-24. Review status: criteria provided, single submitter. Criteria: Invitae Variant Classification Sherloc (09022015). Collection method: clinical testing. Allele origin: germline.
Comment: This sequence change replaces isoleucine, which is neutral and non-polar, with valine, which is neutral and non-polar, at codon 229 of the KCNJ10 protein (p.Ile229Val). This variant is not present in population databases (gnomAD no frequency). This variant has not been reported in the literature in individuals affected with KCNJ10-related conditions. ClinVar contains an entry for this variant (Variation ID: 205820). Advanced modeling of protein sequence and biophysical properties (such as structural, functional, and spatial information, amino acid conservation, physicochemical variation, residue mobility, and thermodynamic stability) performed at Invitae indicates that this missense variant is not expected to disrupt KCNJ10 protein function with a negative predictive value of 80%. In summary, the available evidence is currently insufficient to determine the role of this variant in disease. Therefore, it has been classified as a Variant of Uncertain Significance.

GeneDx
Classification: Uncertain significance. Last evaluated: 2018-02-21. Review status: criteria provided, single submitter. Criteria: GeneDx Variant Classification (06012015). Collection method: clinical testing. Allele origin: germline. Affected: yes.
Comment: p.Ile229Val (ATC>GTC): c.685 A>G in exon 2 of the KCNJ10 gene (NM_002241.4)A variant of unknown significance has been identified in the KCNJ10 gene. The I229V variant has not been published as a mutation, nor has it been reported as a benign polymorphism to our knowledge. It was not observed in approximately 6,500 individuals of European and African American ancestry in the NHLBI Exome Sequencing Project, indicating it is not a common benign variant in these populations. This substitution occurs at a position that is highly conserved across mammals. However, the I229V variant is a conservative amino acid substitution, which is not likely to impact secondary protein structure as these residues share similar properties. In silico analysis is inconsistent in its predictions as to whether or not the variant is damaging to the protein structure/function. Therefore, based on the currently available information, it is unclear whether this variant is a pathogenic mutation or a rare benign variant. The variant is found in EPILEPSY panel(s).

NM_002241.5(KCNJ10):c.685A>G (p.Ile229Val)

Gene: KCNJ10 (potassium inwardly rectifying channel subfamily J member 10; minus strand). Cytogenetic location: 1q23.2.
Variant type: single nucleotide variant.
Coding change: c.685A>G on transcript NM_002241.5 (MANE Select); coding-DNA position 685, A replaced by G.
Protein change: p.Ile229Val; replaces isoleucine 229 with valine.
Molecular consequence: missense variant.
Genome position (GRCh38, 1-based): chr1:160,041,848, T>C on the plus strand (A>G on the coding strand, the complement: KCNJ10 is on the minus strand). VCF-style: chr1-160041848-T-C. GRCh37 (hg19) VCF-style: chr1-160011638-T-C.
Other names: p.I229V:ATC>GTC; short protein forms I229V.
Identifiers: ClinVar variation 205820 (VCV000205820.12), dbSNP rs767156961, ClinGen allele CA315267.
Genomic context (GRCh38, chr1:160,041,848, plus strand): 5'-GGAAGGGGCTGTCAGAGGCTGTGTCTACTTGGAAAGTCACATTGACCTGGTTGAGCCGGA[T>C]GTTCTCCCCTTCCTTGGTTTGGTGGGTCTGAAGCAGTTTTCCTGTCACCTGGCAGCCAAT-3'
Protein context (NP_002232.2, residues 219-239): QTHQTKEGEN[Ile229Val]RLNQVNVTFQ